The following is an entry in ClinVar:

NM_001903.5(CTNNA1):c.386G>C (p.Arg129Pro)

Gene: CTNNA1 (catenin alpha 1; plus strand). Cytogenetic location: 5q31.2.
Variant type: single nucleotide variant.
Coding change: c.386G>C on transcript NM_001903.5 (MANE Select); coding-DNA position 386, G replaced by C.
Protein change: p.Arg129Pro; replaces arginine 129 with proline.
Molecular consequence: missense variant.
Genome position (GRCh38, 1-based): chr5:138,810,122, G>C. VCF-style: chr5-138810122-G-C. GRCh37 (hg19) VCF-style: chr5-138145811-G-C.
Other names: c.386G>C, p.Arg129Pro (NM_001290307.3, NM_001323982.2, NM_001323983.1 and 3 more transcripts); c.77G>C, p.Arg26Pro (NM_001290309.3); c.17G>C, p.Arg6Pro (NM_001290310.3); c.386G>C (NM_001903.2); short protein forms R26P, R6P, R129P.
Identifiers: ClinVar variation 2123078 (VCV002123078.5), dbSNP rs1758522652, ClinGen allele CA361123160.

ClinVar aggregate classification (germline): Uncertain significance. Review status: criteria provided, multiple submitters, no conflicts (2 of 4 stars). 2 submissions from 2 submitters: Uncertain significance (2). Last evaluated 2025-10-01.

Conditions:
Hereditary cancer-predisposing syndrome. Also called: Hereditary Cancer Syndrome; Tumor predisposition; Neoplastic Syndromes, Hereditary; Hereditary neoplastic syndrome. Identifiers: Orphanet 140162, MedGen C0027672, MeSH D009386, MONDO:0015356.

Submissions (2):

Ambry Genetics
Classification: Uncertain significance for Hereditary cancer-predisposing syndrome. Last evaluated: 2025-10-01. Review status: criteria provided, single submitter. Criteria: Ambry Variant Classification Scheme 2023. Collection method: clinical testing. Allele origin: germline.
Comment: The p.R129P variant (also known as c.386G>C), located in coding exon 3 of the CTNNA1 gene, results from a G to C substitution at nucleotide position 386. The arginine at codon 129 is replaced by proline, an amino acid with dissimilar properties. This amino acid position is highly conserved in available vertebrate species. In addition, this alteration is predicted to be deleterious by in silico analysis. Based on the available evidence, the clinical significance of this variant remains unclear.

Labcorp Genetics (formerly Invitae), Labcorp
Classification: Uncertain significance. Last evaluated: 2024-05-21. Review status: criteria provided, single submitter. Criteria: Invitae Variant Classification Sherloc (09022015). Collection method: clinical testing. Allele origin: germline.
Comment: This sequence change replaces arginine, which is basic and polar, with proline, which is neutral and non-polar, at codon 129 of the CTNNA1 protein (p.Arg129Pro). This variant is not present in population databases (gnomAD no frequency). This variant has not been reported in the literature in individuals affected with CTNNA1-related conditions. ClinVar contains an entry for this variant (Variation ID: 2123078). Advanced modeling of protein sequence and biophysical properties (such as structural, functional, and spatial information, amino acid conservation, physicochemical variation, residue mobility, and thermodynamic stability) performed at Invitae indicates that this missense variant is expected to disrupt CTNNA1 protein function with a positive predictive value of 80%. In summary, the available evidence is currently insufficient to determine the role of this variant in disease. Therefore, it has been classified as a Variant of Uncertain Significance.